The following is an entry in ClinVar:

ClinVar aggregate classification (germline): Likely benign (1 of 4 stars; one submission).

Allele frequency attached by ClinVar (database versions not stated): TOPMed 0.00024; gnomAD exomes 0.00038; gnomAD 0.00043; ExAC 0.00129.
gnomAD v4.1: 453 of 1,181,423 alleles (0.038%); highest among the groups gnomAD compares: Middle Eastern, 0.046%; 2 homozygotes.

Submission:

CeGaT Center for Human Genetics Tuebingen
Classification: Likely benign. Last evaluated: 2022-07-01. Review status: criteria provided, single submitter. Criteria: CeGaT Center For Human Genetics Tuebingen Variant Classification Criteria Version 2. Collection method: clinical testing. Allele origin: germline. Affected: yes. Observed: 2 variant alleles.
Comment: NRK: BP4, BP7

NM_198465.4(NRK):c.2163A>G (p.Glu721=)

Gene: NRK (Nik related kinase; plus strand). Cytogenetic location: Xq22.3.
Variant type: single nucleotide variant.
Coding change: c.2163A>G on transcript NM_198465.4 (MANE Select); coding-DNA position 2163, A replaced by G.
Protein change: p.Glu721=; no amino-acid change (glutamic acid 721 retained).
Molecular consequence: synonymous variant.
Genome position (GRCh38, 1-based): chrX:105,909,804, A>G. VCF-style: chrX-105909804-A-G. GRCh37 (hg19) VCF-style: chrX-105153796-A-G.
Identifiers: ClinVar variation 2661126 (VCV002661126.24), dbSNP rs752431910, ClinGen allele CA10481136.